The following is an entry in ClinVar:

ClinVar aggregate classification (germline): Pathogenic/Likely pathogenic. Review status: criteria provided, multiple submitters, no conflicts (2 of 4 stars). 2 submissions from 2 submitters: Pathogenic (1); Likely pathogenic (1). Last evaluated 2025-06-23.

Conditions:
Floating-Harbor syndrome (FLHS). Also called: Short stature with delayed bone age, expressive language delay, a triangular face with a prominent nose and deep-set eyes; Pelletier-Leisti syndrome; SRCAP-Related Floating-Harbor Syndrome. Identifiers: Orphanet 2044, MedGen C0729582, MONDO:0007621, OMIM 136140.

Submissions (2):

GeneDx
Classification: Pathogenic. Last evaluated: 2025-06-23. Review status: criteria provided, single submitter. Criteria: GeneDx Variant Classification Process June 2021. Collection method: clinical testing. Allele origin: germline. Affected: yes.
Comment: Nonsense variant predicted to result in protein truncation, as the last 655 amino acids are lost, and other loss-of-function variants have been reported downstream in HGMD; Not observed at significant frequency in large population cohorts (gnomAD); Has not been previously published as pathogenic or benign to our knowledge

MVZ Martinsried, Medicover Genetics
Classification: Likely pathogenic for Floating-Harbor syndrome. Last evaluated: 2025-05-05. Review status: criteria provided, single submitter. Criteria: ACGS Guidelines, 2020. Collection method: clinical testing. Allele origin: inherited. Affected: yes. Observed: 1 heterozygote.

NM_006662.3(SRCAP):c.7727C>G (p.Ser2576Ter)

Gene: SRCAP (Snf2 related CREBBP activator protein; plus strand). Cytogenetic location: 16p11.2.
Variant type: single nucleotide variant.
Coding change: c.7727C>G on transcript NM_006662.3 (MANE Select); coding-DNA position 7727, C replaced by G.
Protein change: p.Ser2576Ter; replaces serine 2576 with a stop codon.
Molecular consequence: nonsense.
Genome position (GRCh38, 1-based): chr16:30,737,767, C>G. VCF-style: chr16-30737767-C-G. GRCh37 (hg19) VCF-style: chr16-30749088-C-G.
Other names: c.7727C>G (NM_006662.2); short protein forms S2576*.
Identifiers: ClinVar variation 4072329 (VCV004072329.2).